The following is an entry in ClinVar:

NM_000245.4(MET):c.1392+7G>A

Gene: MET (MET proto-oncogene, receptor tyrosine kinase; plus strand). Cytogenetic location: 7q31.2.
Variant type: single nucleotide variant.
Coding change: c.1392+7G>A on transcript NM_000245.4 (MANE Select); 7 bases into the intron after coding-DNA position 1392, G replaced by A.
Molecular consequence: intron variant.
Genome position (GRCh38, 1-based): chr7:116,731,866, G>A. VCF-style: chr7-116731866-G-A. GRCh37 (hg19) VCF-style: chr7-116371920-G-A.
Other names: c.1392+7G>A (NM_001127500.3, NM_001324401.3); c.102+7G>A (NM_001324402.2).
Identifiers: ClinVar variation 1989271 (VCV001989271.5), dbSNP rs1793022650, ClinGen allele CA2580076240.

ClinVar aggregate classification (germline): Likely benign. Review status: criteria provided, multiple submitters, no conflicts (2 of 4 stars). 2 submissions from 2 submitters: Likely benign (2). Last evaluated 2024-11-07.

Conditions:
Renal cell carcinoma. Identifiers: Orphanet 217071, MedGen C0007134, MeSH D002292, MONDO:0005086, HP:0005584.
Papillary renal cell carcinoma type 1 (RCCP1). Also called: Renal adenocarcinoma; Renal cell carcinoma 1; Renal cell carcinoma, somatic; RENAL CELL CARCINOMA, PAPILLARY, 1, SOMATIC. Identifiers: Orphanet 47044, MedGen C1336839, OMIM 605074, HP:0011797.

Submissions (2):

Myriad Genetics, Inc.
Classification: Likely benign for Papillary renal cell carcinoma type 1. Last evaluated: 2024-11-07. Review status: criteria provided, single submitter. Criteria: Myriad Autosomal Dominant, Autosomal Recessive and X-Linked Classification Criteria (2023). Collection method: clinical testing. Allele origin: unknown.
Comment: This variant is considered likely benign. This variant is intronic and is not expected to impact mRNA splicing.

Labcorp Genetics (formerly Invitae), Labcorp
Classification: Likely benign for Renal cell carcinoma. Last evaluated: 2023-08-05. Review status: criteria provided, single submitter. Criteria: Invitae Variant Classification Sherloc (09022015). Collection method: clinical testing. Allele origin: germline.